The following is an entry in ClinVar:

NM_006514.4(SCN10A):c.2483C>T (p.Pro828Leu)

Gene: SCN10A (sodium voltage-gated channel alpha subunit 10; minus strand). Cytogenetic location: 3p22.2.
Variant type: single nucleotide variant.
Coding change: c.2483C>T on transcript NM_006514.4 (MANE Select); coding-DNA position 2483, C replaced by T.
Protein change: p.Pro828Leu; replaces proline 828 with leucine.
Molecular consequence: missense variant.
Genome position (GRCh38, 1-based): chr3:38,728,699, G>A on the plus strand (C>T on the coding strand, the complement: SCN10A is on the minus strand). VCF-style: chr3-38728699-G-A. GRCh37 (hg19) VCF-style: chr3-38770190-G-A.
Other names: c.2483C>T, p.Pro828Leu (NM_001293306.2); c.2189C>T, p.Pro730Leu (NM_001293307.2); c.2483C>T (NM_006514.2); short protein forms P730L, P828L.
Identifiers: ClinVar variation 1017748 (VCV001017748.10), dbSNP rs749000689, ClinGen allele CA2320528.

ClinVar aggregate classification (germline): Conflicting classifications of pathogenicity. Review status: criteria provided, conflicting classifications (1 of 4 stars). 4 submissions from 4 submitters: Uncertain significance (2); Likely benign (2). Last evaluated 2026-09-01.

Conditions:
Brugada syndrome. Also called: Sudden Unexplained Death Syndrome; Sudden Unexplained Nocturnal Death Syndrome (SUNDS); Sudden unexpected nocturnal death syndrome; Sudden unexplained nocturnal death syndrome. Identifiers: Orphanet 130, MedGen C1142166, MONDO:0015263.
Cardiovascular phenotype. Identifiers: MedGen CN230736.

Allele frequency attached by ClinVar (database versions not stated): gnomAD 0.00001; TOPMed 0.00004; gnomAD exomes 0.00010; ExAC 0.00011.
gnomAD v4.1: 29 of 1,614,020 alleles (0.0018%); highest among the groups gnomAD compares: Admixed American, 0.043%; no homozygotes.

Submissions (4):

CeGaT Center for Human Genetics Tuebingen
Classification: Likely benign. Last evaluated: 2026-09-01. Review status: criteria provided, single submitter. Criteria: CeGaT Center For Human Genetics Tuebingen Variant Classification Criteria Version 2. Collection method: clinical testing. Allele origin: germline. Affected: yes. Observed: 1 variant allele.
Comment: SCN10A: BS1

GeneDx
Classification: Uncertain significance. Last evaluated: 2026-08-05. Review status: criteria provided, single submitter. Criteria: GeneDx Variant Classification Process June 2021. Collection method: clinical testing. Allele origin: germline.
Comment: In silico analysis supports that this missense variant has a deleterious effect on protein structure/function; Has not been previously published as pathogenic or benign to our knowledge

Labcorp Genetics (formerly Invitae), Labcorp
Classification: Uncertain significance for Brugada syndrome. Last evaluated: 2024-12-31. Review status: criteria provided, single submitter. Criteria: Invitae Variant Classification Sherloc (09022015). Collection method: clinical testing. Allele origin: germline.
Comment: This sequence change replaces proline, which is neutral and non-polar, with leucine, which is neutral and non-polar, at codon 828 of the SCN10A protein (p.Pro828Leu). This variant is present in population databases (rs749000689, gnomAD 0.07%). This variant has not been reported in the literature in individuals affected with SCN10A-related conditions. ClinVar contains an entry for this variant (Variation ID: 1017748). An algorithm developed to predict the effect of missense changes on protein structure and function outputs the following: PolyPhen-2: "Benign". The leucine amino acid residue is found in multiple mammalian species, which suggests that this missense change does not adversely affect protein function. In summary, the available evidence is currently insufficient to determine the role of this variant in disease. Therefore, it has been classified as a Variant of Uncertain Significance.

Ambry Genetics
Classification: Likely benign for Cardiovascular phenotype. Last evaluated: 2024-08-01. Review status: criteria provided, single submitter. Criteria: Ambry Variant Classification Scheme 2023. Collection method: clinical testing. Allele origin: germline.